The following is an entry in ClinVar:

NM_001040716.2(PC):c.1075G>A (p.Asp359Asn)

Gene: PC (pyruvate carboxylase; minus strand). Cytogenetic location: 11q13.2.
Variant type: single nucleotide variant.
Coding change: c.1075G>A on transcript NM_001040716.2 (MANE Select); coding-DNA position 1075, G replaced by A.
Protein change: p.Asp359Asn; replaces aspartic acid 359 with asparagine.
Molecular consequence: missense variant.
Genome position (GRCh38, 1-based): chr11:66,866,297, C>T on the plus strand (G>A on the coding strand, the complement: PC is on the minus strand). VCF-style: chr11-66866297-C-T. GRCh37 (hg19) VCF-style: chr11-66633768-C-T.
Other names: c.1075G>A, p.Asp359Asn (NM_000920.4, NM_022172.3); short protein forms D359N.
Identifiers: ClinVar variation 649881 (VCV000649881.9), dbSNP rs780215837, ClinGen allele CA6131992.
Genomic context (GRCh38, chr11:66,866,297, plus strand): 5'-TGACCCGGCACTGGATGGCACACCCGTTGATGCGGATGTTCTCCTGCCGCAGGCCCAGGT[C>T]GGGTAGGCTCCTGCCCTCAGCCACGTGGATCTGAGCATGGACCAGGTCTACGCTGTAGGG-3'
Protein context (NP_001035806.1, residues 349-369): IHVAEGRSLP[Asp359Asn]LGLRQENIRI

ClinVar aggregate classification (germline): Conflicting classifications of pathogenicity. Review status: criteria provided, conflicting classifications (1 of 4 stars). 2 submissions from 2 submitters: Uncertain significance (1); Likely benign (1). Last evaluated 2025-12-24.

Conditions:
Pyruvate carboxylase deficiency. Also called: Pyruvate Carboxylase Deficiency Disease; PC DEFICIENCY; ATAXIA WITH LACTIC ACIDOSIS II; LEIGH NECROTIZING ENCEPHALOPATHY DUE TO PYRUVATE CARBOXYLASE DEFICIENCY; LEIGH SYNDROME DUE TO PYRUVATE CARBOXYLASE DEFICIENCY. Identifiers: Orphanet 3008, MedGen C0034341, MONDO:0009949, OMIM 266150.

Allele frequency attached by ClinVar (database versions not stated): ExAC 0.00018; TOPMed 0.00013.
gnomAD v4.1: 85 of 1,612,552 alleles (0.0053%); highest among the groups gnomAD compares: Admixed American, 0.13%; no homozygotes.

Submissions (2):

Labcorp Genetics (formerly Invitae), Labcorp
Classification: Likely benign for Pyruvate carboxylase deficiency. Last evaluated: 2025-12-24. Review status: criteria provided, single submitter. Criteria: Invitae Variant Classification Sherloc (09022015). Collection method: clinical testing. Allele origin: germline.

GeneDx
Classification: Uncertain significance. Last evaluated: 2025-08-14. Review status: criteria provided, single submitter. Criteria: GeneDx Variant Classification Process June 2021. Collection method: clinical testing. Allele origin: germline. Affected: yes.
Comment: In silico analysis supports that this missense variant has a deleterious effect on protein structure/function; Has not been previously published as pathogenic or benign to our knowledge